The following is an entry in ClinVar:

NM_000686.5(AGTR2):c.747_801del (p.Thr250fs)

Gene: AGTR2 (angiotensin II receptor type 2; plus strand). Cytogenetic location: Xq23.
Variant type: Deletion.
Coding change: c.747_801del on transcript NM_000686.5 (MANE Select); coding-DNA positions 747 to 801, 55 bases deleted.
Protein change: p.Thr250fs; shifts the reading frame from threonine 250.
Molecular consequence: frameshift variant.
Genome position (GRCh38, 1-based): chrX:116,173,027-116,173,081, 55 bases deleted. GRCh37 (hg19): chrX:115,304,280-115,304,334.
Other names: c.747_801del, p.Thr250fs (NM_001385624.1); short protein forms T250fs.
Identifiers: ClinVar variation 3345420 (VCV003345420.1).

ClinVar aggregate classification (germline): Uncertain significance (0 of 4 stars; one submission).

Conditions:
AGTR2-related disorder. Also called: AGTR2-related condition.

Submission:

PreventionGenetics, part of Exact Sciences
Classification: Uncertain significance for AGTR2-related condition. Last evaluated: 2024-08-23. Review status: no assertion criteria provided. Collection method: clinical testing. Allele origin: germline.
Comment: The AGTR2 c.747_801del55 variant is predicted to result in a frameshift and premature protein termination (p.Thr250Alafs*8). To our knowledge, this variant has not been reported in the literature or in a large population database, indicating this variant is rare. At this time, the clinical significance of this variant is uncertain due to the absence of conclusive functional and genetic evidence.